The following is an entry in ClinVar:

ClinVar aggregate classification (germline): Uncertain significance (1 of 4 stars; one submission).

Submission:

Labcorp Genetics (formerly Invitae), Labcorp
Classification: Uncertain significance. Last evaluated: 2021-11-26. Review status: criteria provided, single submitter. Criteria: Invitae Variant Classification Sherloc (09022015). Collection method: clinical testing. Allele origin: germline.
Comment: In summary, the available evidence is currently insufficient to determine the role of this variant in disease. Therefore, it has been classified as a Variant of Uncertain Significance. ClinVar contains an entry for this variant (Variation ID: 1057825). This premature translational stop signal has been observed in individual(s) with early onset breast cancer (PMID: 27125668). This variant is present in population databases (rs746317988, gnomAD 0.003%). This sequence change creates a premature translational stop signal (p.Lys325Thrfs*42) in the RECQL gene. It is expected to result in an absent or disrupted protein product. However, the current clinical and genetic evidence is not sufficient to establish whether loss-of-function variants in RECQL cause disease.

Literature cited by the submitters: PubMed 27125668.

NM_002907.4(RECQL):c.974_977del (p.Lys325fs)

Gene: RECQL (RecQ like helicase; minus strand). Cytogenetic location: 12p12.1.
Variant type: Deletion.
Coding change: c.974_977del on transcript NM_002907.4 (MANE Select); coding-DNA positions 974 to 977, 4 bases deleted (AAGA; older notation c.974_977delAAGA).
Protein change: p.Lys325fs; shifts the reading frame from lysine 325.
Molecular consequence: frameshift variant.
Genome position (GRCh38, 1-based): chr12:21,475,797-21,475,800, TCTT deleted on the plus strand (AAGA on the coding strand, the reverse complement: RECQL is on the minus strand); deleting any 4 consecutive bases within chr12:21,475,797-21,475,803 gives the same sequence; the c. name uses the placement nearest the transcript's 3' end. VCF-style (leftmost placement, unchanged base first): chr12-21475796-GTCTT-G. GRCh37 (hg19) VCF-style: chr12-21628730-GTCTT-G.
Other names: c.974_977del, p.Lys325fs (NM_032941.3); short protein forms K325fs.
Identifiers: ClinVar variation 1057825 (VCV001057825.7), dbSNP rs746317988, ClinGen allele CA6478891.